The following is an entry in ClinVar:

ClinVar aggregate classification (germline): Uncertain significance. Review status: criteria provided, multiple submitters, no conflicts (2 of 4 stars). 2 submissions from 2 submitters: Uncertain significance (2). Last evaluated 2025-03-02.

Conditions:
Ataxia-telangiectasia syndrome (AT). Also called: LOUIS-BAR SYNDROME; Cerebello-oculocutaneous telangiectasia; Immunodeficiency with ataxia telangiectasia; Ataxia-telangiectasia, complementation group D; AT, COMPLEMENTATION GROUP C; ATAXIA-TELANGIECTASIA, COMPLEMENTATION GROUP A. Identifiers: Orphanet 100, MedGen C0004135, MONDO:0008840, OMIM 208900.
Hereditary cancer-predisposing syndrome. Also called: Tumor predisposition; Neoplastic Syndromes, Hereditary; Hereditary Cancer Syndrome; Hereditary neoplastic syndrome. Identifiers: Orphanet 140162, MedGen C0027672, MeSH D009386, MONDO:0015356.

Submissions (2):

Labcorp Genetics (formerly Invitae), Labcorp
Classification: Uncertain significance for Ataxia-telangiectasia syndrome. Last evaluated: 2025-03-02. Review status: criteria provided, single submitter. Criteria: Invitae Variant Classification Sherloc (09022015). Collection method: clinical testing. Allele origin: germline.
Comment: This sequence change replaces glutamic acid, which is acidic and polar, with lysine, which is basic and polar, at codon 699 of the ATM protein (p.Glu699Lys). This variant is not present in population databases (gnomAD no frequency). This variant has not been reported in the literature in individuals affected with ATM-related conditions. ClinVar contains an entry for this variant (Variation ID: 1785787). Invitae Evidence Modeling of protein sequence and biophysical properties (such as structural, functional, and spatial information, amino acid conservation, physicochemical variation, residue mobility, and thermodynamic stability) indicates that this missense variant is not expected to disrupt ATM protein function with a negative predictive value of 95%. In summary, the available evidence is currently insufficient to determine the role of this variant in disease. Therefore, it has been classified as a Variant of Uncertain Significance.

Ambry Genetics
Classification: Uncertain significance for Hereditary cancer-predisposing syndrome. Last evaluated: 2022-09-25. Review status: criteria provided, single submitter. Criteria: Ambry Variant Classification Scheme 2023. Collection method: clinical testing. Allele origin: germline.
Comment: The p.E699K variant (also known as c.2095G>A), located in coding exon 12 of the ATM gene, results from a G to A substitution at nucleotide position 2095. The glutamic acid at codon 699 is replaced by lysine, an amino acid with similar properties. This amino acid position is conserved. In addition, this alteration is predicted to be tolerated by in silico analysis. Since supporting evidence is limited at this time, the clinical significance of this alteration remains unclear.

NM_000051.4(ATM):c.2095G>A (p.Glu699Lys)

Gene: ATM (ATM serine/threonine kinase; plus strand). Cytogenetic location: 11q22.3.
Variant type: single nucleotide variant.
Coding change: c.2095G>A on transcript NM_000051.4 (MANE Select); coding-DNA position 2095, G replaced by A.
Protein change: p.Glu699Lys; replaces glutamic acid 699 with lysine.
Molecular consequence: missense variant.
Genome position (GRCh38, 1-based): chr11:108,254,010, G>A. VCF-style: chr11-108254010-G-A. GRCh37 (hg19) VCF-style: chr11-108124737-G-A.
Other names: c.2095G>A, p.Glu699Lys (NM_001351834.2); short protein forms E699K.
Identifiers: ClinVar variation 1785787 (VCV001785787.3), dbSNP rs1060501539, ClinGen allele CA382537644.
Genomic context (GRCh38, chr11:108,254,010, plus strand): 5'-GGCTTCTCTGTCCACCAGAATCTCAAGGAATCACTGGATCGCTGTCTTCTGGGATTATCA[G>A]AACAGCTTCTGAATAATTACTCATCTGAGGTGAGATTTTTTAAAAAAAGAACTAAGCTTA-3'
Protein context (NP_000042.3, residues 689-709): SLDRCLLGLS[Glu699Lys]QLLNNYSSEI